The following is an entry in ClinVar:

ClinVar aggregate classification (germline): Uncertain significance. Review status: criteria provided, multiple submitters, no conflicts (2 of 4 stars). 2 submissions from 2 submitters: Uncertain significance (2). Last evaluated 2026-07-06.

Conditions:
Oligodontia-cancer predisposition syndrome. Also called: TOOTH AGENESIS-COLORECTAL CANCER SYNDROME. Identifiers: Orphanet 300576, MedGen C1837750, MONDO:0012075, OMIM 608615. Disease mechanism: loss of function.
Hereditary cancer-predisposing syndrome. Also called: Tumor predisposition; Hereditary neoplastic syndrome; Hereditary Cancer Syndrome; Neoplastic Syndromes, Hereditary. Identifiers: Orphanet 140162, MedGen C0027672, MeSH D009386, MONDO:0015356.

Submissions (2):

Ambry Genetics
Classification: Uncertain significance for Hereditary cancer-predisposing syndrome. Last evaluated: 2026-07-06. Review status: criteria provided, single submitter. Criteria: Ambry Variant Classification Scheme 2023. Collection method: clinical testing. Allele origin: germline.
Comment: The p.Q731H variant (also known as c.2193G>C), located in coding exon 8 of the AXIN2 gene, results from a G to C substitution at nucleotide position 2193. The glutamine at codon 731 is replaced by histidine, an amino acid with highly similar properties. This amino acid position is conserved. In addition, this alteration is predicted to be tolerated by in silico analysis. Based on the available evidence, the clinical significance of this variant remains unclear.

Labcorp Genetics (formerly Invitae), Labcorp
Classification: Uncertain significance for Oligodontia-cancer predisposition syndrome. Last evaluated: 2024-08-01. Review status: criteria provided, single submitter. Criteria: Invitae Variant Classification Sherloc (09022015). Collection method: clinical testing. Allele origin: germline.
Comment: This sequence change replaces glutamine, which is neutral and polar, with histidine, which is basic and polar, at codon 731 of the AXIN2 protein (p.Gln731His). This variant is not present in population databases (gnomAD no frequency). This variant has not been reported in the literature in individuals affected with AXIN2-related conditions. An algorithm developed to predict the effect of missense changes on protein structure and function outputs the following: PolyPhen-2: "Benign". The histidine amino acid residue is found in multiple mammalian species, which suggests that this missense change does not adversely affect protein function. In summary, the available evidence is currently insufficient to determine the role of this variant in disease. Therefore, it has been classified as a Variant of Uncertain Significance.

NM_004655.4(AXIN2):c.2193G>C (p.Gln731His)

Gene: AXIN2 (axin 2; minus strand). Cytogenetic location: 17q24.1.
Variant type: single nucleotide variant.
Coding change: c.2193G>C on transcript NM_004655.4 (MANE Select); coding-DNA position 2193, G replaced by C.
Protein change: p.Gln731His; replaces glutamine 731 with histidine.
Molecular consequence: missense variant.
Genome position (GRCh38, 1-based): chr17:65,535,670, C>G on the plus strand (G>C on the coding strand, the complement: AXIN2 is on the minus strand). VCF-style: chr17-65535670-C-G. GRCh37 (hg19) VCF-style: chr17-63531788-C-G.
Other names: c.1998G>C, p.Gln666His (NM_001363813.1); short protein forms Q666H, Q731H.
Identifiers: ClinVar variation 3661173 (VCV003661173.3).
Genomic context (GRCh38, chr17:65,535,670, plus strand): 5'-AGGTAAAGACACTCACTCTTCTGGAGCCAGGCTTGGATTGGAGAAGGGTGTGGCTCCCGT[C>G]TGAACAGTGGCCGAATGATTCCTGTCCCTCTGCTGACTGGCCACACAGCACCTGAGGACA-3'
Protein context (NP_004646.3, residues 721-741): QRDRNHSATV[Gln731His]TGATPFSNPS